The following is an entry in ClinVar:

ClinVar aggregate classification (germline): Uncertain significance (1 of 4 stars; one submission).

Conditions:
PKHD1-related disorder. Also called: PKHD1-related condition.

gnomAD v4.1: 3 of 1,587,916 alleles (0.00019%); highest among the groups gnomAD compares: South Asian, 0.0033%; no homozygotes.

Submission:

PreventionGenetics, part of Exact Sciences
Classification: Uncertain significance for PKHD1-related condition. Last evaluated: 2026-02-11. Review status: criteria provided, single submitter. Criteria: ACMG Guidelines, 2015. Collection method: clinical testing. Allele origin: germline.
Comment: The PKHD1 c.53-3C>G variant is predicted to interfere with splicing. To our knowledge, this variant has not been reported in the literature or in a large population database (gnomAD), indicating this variant is rare. An alternate nucleotide change at the same genomic position (c.53-3C>A) has been reported in an individual with autosomal recessive polycystic kidney disease, and was shown to disrupt splicing but preserve the reading frame (Bergmann et al. 2006. PubMed ID: 16897190). Although we suspect that this variant may be pathogenic, at this time, the clinical significance of the c.53-3C>G variant is uncertain due to the absence of conclusive functional and genetic evidence.

NM_138694.4(PKHD1):c.53-3C>G

Gene: PKHD1 (PKHD1 ciliary IPT domain containing fibrocystin/polyductin; minus strand). Cytogenetic location: 6p12.2.
Variant type: single nucleotide variant.
Coding change: c.53-3C>G on transcript NM_138694.4 (MANE Select); 3 bases into the intron before coding-DNA position 53, C replaced by G.
Molecular consequence: intron variant.
Genome position (GRCh38, 1-based): chr6:52,083,258, G>C on the plus strand (C>G on the coding strand, the complement: PKHD1 is on the minus strand). VCF-style: chr6-52083258-G-C. GRCh37 (hg19) VCF-style: chr6-51948056-G-C.
Other names: c.53-3C>G (NM_170724.3).
Identifiers: ClinVar variation 4989043 (VCV004989043.1).